The following is an entry in ClinVar:

NM_000192.3(TBX5):c.-167G>A

Gene: TBX5 (T-box transcription factor 5; minus strand). Cytogenetic location: 12q24.21.
Variant type: single nucleotide variant.
Coding change: c.-167G>A on transcript NM_000192.3; 167 bases upstream of the start codon, G replaced by A.
Molecular consequence: 5 prime UTR variant.
Genome position (GRCh38, 1-based): chr12:114,407,942, C>T on the plus strand (G>A on the coding strand, the complement: TBX5 is on the minus strand). VCF-style: chr12-114407942-C-T. GRCh37 (hg19) VCF-style: chr12-114845747-C-T.
Other names: c.-132G>A (NM_080717.4).
Identifiers: ClinVar variation 883679 (VCV000883679.6), dbSNP rs146645348, ClinGen allele CA244135285.
Genomic context (GRCh38, chr12:114,407,942, plus strand): 5'-AGGTGAAGACTTTGAAAAGGACCACCAAAAGAGACCTCTTTAGGCCAGGTCTTCTTCCAA[C>T]GTCTGTCAAGAAGAGCACGTACCTCCCAGCTCAAGGTTGGTTTGTGGTCTCCGACAAATT-3'

ClinVar aggregate classification (germline): Benign (1 of 4 stars; one submission).

Conditions:
Holt-Oram syndrome (HOS). Also called: Ventriculo-radial syndrome; Cardiac-limb syndrome; Heart-hand syndrome, type 1; TBX5-Related Holt-Oram Syndrome. Identifiers: Orphanet 392, MedGen C0265264, MONDO:0007732, OMIM 142900.

Allele frequency attached by ClinVar (database versions not stated): 1000 Genomes Project 0.00300; TOPMed 0.00379; 1000 Genomes Project 30x 0.00281.
gnomAD v4.1: 746 of 985,422 alleles (0.076%); highest among the groups gnomAD compares: African/African-American, 1.2%; 5 homozygotes.

Submission:

Illumina Laboratory Services, Illumina
Classification: Benign for Holt-Oram syndrome. Last evaluated: 2018-01-13. Review status: criteria provided, single submitter. Criteria: ICSL Variant Classification Criteria 13 December 2019. Collection method: clinical testing. Allele origin: germline.
Comment: This variant was observed in the ICSL laboratory as part of a predisposition screen in an ostensibly healthy population. It had not been previously curated by ICSL or reported in the Human Gene Mutation Database (HGMD: prior to June 1st, 2018), and was therefore a candidate for classification through an automated scoring system. Utilizing variant allele frequency, disease prevalence and penetrance estimates, and inheritance mode, an automated score was calculated to assess if this variant is too frequent to cause the disease. Based on the score and internal cut-off values, a variant classified as benign is not then subjected to further curation. The score for this variant resulted in a classification of benign for this disease.